The following is an entry in ClinVar:

ClinVar aggregate classification (germline): Uncertain significance. Review status: criteria provided, multiple submitters, no conflicts (2 of 4 stars). 3 submissions from 3 submitters: Uncertain significance (3). Last evaluated 2025-05-08.

Allele frequency attached by ClinVar (database versions not stated): gnomAD exomes 0.00001 and 0.00002; ExAC 0.00002; gnomAD 0.00003; TOPMed 0.00004; 1000 Genomes Project 30x 0.00016; 1000 Genomes Project 0.00020.
gnomAD v4.1: 23 of 1,613,916 alleles (0.0014%); highest among the groups gnomAD compares: Non-Finnish European, 0.0019%; no homozygotes.

Submissions (3):

Labcorp Genetics (formerly Invitae), Labcorp
Classification: Uncertain significance. Last evaluated: 2025-05-08. Review status: criteria provided, single submitter. Criteria: Invitae Variant Classification Sherloc (09022015). Collection method: clinical testing. Allele origin: germline.
Comment: This sequence change replaces glycine, which is neutral and non-polar, with glutamic acid, which is acidic and polar, at codon 230 of the ZNF513 protein (p.Gly230Glu). This variant is present in population databases (rs560428901, gnomAD 0.006%). This variant has not been reported in the literature in individuals affected with ZNF513-related conditions. ClinVar contains an entry for this variant (Variation ID: 952048). An algorithm developed to predict the effect of missense changes on protein structure and function outputs the following: PolyPhen-2: "Probably Damaging". The glutamic acid amino acid residue is found in multiple mammalian species, which suggests that this missense change does not adversely affect protein function. In summary, the available evidence is currently insufficient to determine the role of this variant in disease. Therefore, it has been classified as a Variant of Uncertain Significance.

Blueprint Genetics
Classification: Uncertain significance. Last evaluated: 2024-10-24. Review status: criteria provided, single submitter. Criteria: ACMG Guidelines, 2015. Collection method: clinical testing. Allele origin: germline.

Ambry Genetics
Classification: Uncertain significance. Last evaluated: 2023-01-06. Review status: criteria provided, single submitter. Criteria: Ambry Variant Classification Scheme 2023. Collection method: clinical testing. Allele origin: germline.

NM_144631.6(ZNF513):c.689G>A (p.Gly230Glu)

Gene: ZNF513 (zinc finger protein 513; minus strand). Cytogenetic location: 2p23.3.
Variant type: single nucleotide variant.
Coding change: c.689G>A on transcript NM_144631.6 (MANE Select); coding-DNA position 689, G replaced by A.
Protein change: p.Gly230Glu; replaces glycine 230 with glutamic acid.
Molecular consequence: missense variant.
Genome position (GRCh38, 1-based): chr2:27,378,577, C>T on the plus strand (G>A on the coding strand, the complement: ZNF513 is on the minus strand). VCF-style: chr2-27378577-C-T. GRCh37 (hg19) VCF-style: chr2-27601444-C-T.
Other names: c.503G>A, p.Gly168Glu (NM_001201459.2); short protein forms G168E, G230E.
Identifiers: ClinVar variation 952048 (VCV000952048.12), dbSNP rs560428901, ClinGen allele CA1577998.